The following is an entry in ClinVar:

ClinVar aggregate classification (germline): Pathogenic. Review status: criteria provided, multiple submitters, no conflicts (2 of 4 stars). 12 submissions from 12 submitters: Pathogenic (9). 3 of the submissions do not count toward it. Last evaluated 2026-04-22.

Conditions:
Fetal anomalies with a likely genetic cause.
ACTG2-related disorder. Also called: ACTG2-related condition.
Megacystis-microcolon-intestinal hypoperistalsis syndrome 5. Identifiers: MedGen C5543636, MONDO:0030329, OMIM 619431.
Inborn genetic diseases. Identifiers: MedGen C0950123, MeSH D030342.
Visceral myopathy 1 (VSCM1). Also called: ACTG2 Visceral Myopathy; Visceral myopathy; Infantile visceral myopathy. Identifiers: Orphanet 2604, MedGen C5542197, MONDO:0020754, OMIM 155310.

Submissions (12):

NHS Central & South Genomic Laboratory Hub
Classification: Pathogenic for Fetal anomalies with a likely genetic cause. Last evaluated: 2026-04-22. Review status: criteria provided, single submitter. Criteria: ACMG Guidelines, 2015. Collection method: clinical testing. Allele origin: germline. Affected: yes.

3billion
Classification: Pathogenic for Megacystis-microcolon-intestinal hypoperistalsis syndrome 5. Last evaluated: 2025-11-14. Review status: criteria provided, single submitter. Criteria: ACMG Guidelines, 2015. Collection method: clinical testing. Allele origin: germline. Affected: yes.
Comment: The variant is not observed in the gnomAD v4.1.0 dataset. Predicted Consequence/Location: Missense variant. Missense changes are a common disease-causing mechanism. In silico tool predictions suggest damaging effect of the variant on gene or gene product [REVEL: 0.96 (>=0.6, sensitivity 0.68 and specificity 0.92); 3Cnet: 0.99 (> 0.75, sensitivity 0.96 and precision 0.92)]. The same nucleotide change resulting in the same amino acid change has been previously reported as pathogenic/likely pathogenic with strong evidence (ClinVar ID: VCV000132801 /PMID: 24676022 /3billion dataset). The variant has been previously reported as de novo in a similarly affected individual (PMID: 24676022). Different missense changes at the same codon (p.Arg178Cys, p.Arg178Leu, p.Arg178Ser) have been reported as pathogenic/likely pathogenic with strong evidence (ClinVar ID: VCV000132798, VCV000132800, VCV003024243 /PMID: 24337657, 29608093). Therefore, this variant is classified as Pathogenic according to the recommendation of ACMG/AMP guideline.

PreventionGenetics, part of Exact Sciences
Classification: Pathogenic for ACTG2-related condition. Last evaluated: 2025-06-11. Review status: criteria provided, single submitter. Criteria: ACMG Guidelines, 2015. Collection method: clinical testing. Allele origin: germline.
Comment: The ACTG2 c.533G>A variant is predicted to result in the amino acid substitution p.Arg178His. This variant has been reported to be causative for megacystis-microcolon-intestinal hypoperistalsis syndrome and has been shown to have arisen de novo in multiple affected individuals (see for example: Wangler et al. 2014. PubMed ID: 24676022; Halim et al. 2015. PubMed ID: 26647307; Tuzovic et al. 2015. PubMed ID: 25998219; Matera et al. 2016. PubMed ID: 26813947). In addition, alternative de novo variants predicted to alter the same amino acid residue (p.Arg178Leu, p.Arg178Cys, and p.Arg178Ser) have been reported as causative in patients with megacystis-microcolon-intestinal hypoperistalsis syndrome (Wangler et al. 2014. PubMed ID: 24676022; Halim et al. 2015. PubMed ID: 26647307; Thorson et al. 2013. PubMed ID: 24337657; Matera et al. 2016. PubMed ID: 26813947; Moreno et al. 2016. PubMed ID: 27481187; Korğalı. 2018. PubMed ID: 29608093). Structural and functional analysis suggests the p.Arg178 residue is critical for ACTG2 function (Thorson et al. 2013. PubMed ID: 24337657). This variant has not been reported in a large population database (gnomAD), indicating this variant is rare. This variant is interpreted as pathogenic.

Dasa
Classification: Pathogenic. Last evaluated: 2025-02-23. Review status: criteria provided, single submitter. Criteria: DASA Assertion Criteria. Collection method: clinical testing. Allele origin: germline.
Comment: NM_001615.4(ACTG2):c.533G>A (p.Arg178His) is a missense variant that results in the substitution of arginine with histidine. The affected residue or protein region has prior evidence supporting clinical relevance. De novo occurrence has been reported in an individual with related phenotype. Functional evidence supports a deleterious effect on the gene or gene product (PMID: 24676022; PMID: 26813947; PMID: 34980693; PMID: 26647307). This variant has been recurrently observed in individuals with related phenotype (PMID: 24676022; PMID: 26813947; PMID: 34980693; PMID: 26647307). Multiple computational predictions support a deleterious effect on the gene or gene product. The variant is present at low frequency in population datasets. Based on the available data, this variant is classified as pathogenic.

Blueprint Genetics
Classification: Pathogenic for ACTG2-related disorders. Last evaluated: 2023-04-12. Review status: criteria provided, single submitter. Criteria: ACMG Guidelines, 2015. Collection method: clinical testing. Allele origin: de novo. Affected: yes. Observed: 3 variant alleles.

GeneDx
Classification: Pathogenic. Last evaluated: 2022-11-26. Review status: criteria provided, single submitter. Criteria: GeneDx Variant Classification Process June 2021. Collection method: clinical testing. Allele origin: germline. Affected: yes.
Comment: Published functional studies demonstrate a damaging effect on actin polymerization (Halim D et al., 2016); Not observed at significant frequency in large population cohorts (gnomAD); In silico analysis supports that this missense variant has a deleterious effect on protein structure/function; This variant is associated with the following publications: (PMID: 26647307, 24676022, 32621347, 33859849, 25998219, 34071279, 32810037, 34980693)

Fulgent Genetics
Classification: Pathogenic for Visceral myopathy 1. Last evaluated: 2018-10-31. Review status: criteria provided, single submitter. Criteria: ACMG Guidelines, 2015. Collection method: clinical testing. Allele origin: unknown.

Lupski Lab, Baylor-Hopkins CMG, Baylor College of Medicine
Classification: Pathogenic for Visceral myopathy 1. Last evaluated: 2014-03-27. Review status: criteria provided, single submitter. Criteria: Wangler et al. PLoS Gen 2014. Collection method: research. Allele origin: maternal, de novo. Inheritance: Autosomal dominant inheritance. Affected: yes. Observed: 3 heterozygotes. Study: MMIHS_WES. Segregation with disease observed.

Ambry Genetics
Classification: Pathogenic for Inborn genetic diseases. Last evaluated: 2013-08-09. Review status: criteria provided, single submitter. Criteria: Ambry Autosomal Dominant and X-Linked criteria (10/2015). Collection method: clinical testing. Allele origin: germline. Observed: 1 variant allele.
Comment: The c.533G>A (p.R178H) alteration is located in coding exon 5 of the ACTG2 gene. This alteration results from a G to A substitution at nucleotide position 533. The arginine at codon 178 is replaced by histidine, an amino acid with highly similar properties. The missense change is not observed in healthy cohorts:Based on data from the NHLBI Exome Sequencing Project (ESP), the ACTG2 c.533G>A (p.R178H) alteration was not observed among 6,502 individuals tested (0.0%). Allele frequency data for this nucleotide position is not currently available from the 1000 Genomes Project and the alteration is not currently listed in the Database of Single Nucleotide Polymorphisms (dbSNP).The altered amino acid is highly conserved throughout evolution:The R178 amino acid is conserved throughout vertebrates as well as among all the six actin proteins in human. The alteration is predicted benign by in silico models:The p.R178H alteration is predicted to be benign by Polyphen and tolerated by SIFT in silico analyses. Based on the available evidence, the ACTG2 c.533G>A (p.R178H) alteration is classified as a pathogenic mutation.

UOSD Genetics and Genomics of Rare Diseases, Istituto Giannina Gaslini
Classification: Pathogenic for Megacystis, microcolon, hypoperistalsis syndrome. Last evaluated: 2015-05-02. Review status: no assertion criteria provided. Collection method: research. Allele origin: germline. Affected: yes. Not counted in ClinVar's aggregate classification.

OMIM
Classification: Pathogenic for MEGACYSTIS-MICROCOLON-INTESTINAL HYPOPERISTALSIS SYNDROME 5. Last evaluated: 2014-03-01. Review status: no assertion criteria provided. Collection method: literature only. Allele origin: germline. Not counted in ClinVar's aggregate classification.

GeneReviews
No classification provided. Condition: Visceral myopathy 1. Review status: no classification provided. Collection method: literature only. Allele origin: germline. Not counted in ClinVar's aggregate classification.
Comment: High rate of a poor outcome (mortality and/or multivisceral transplantation) or microcolon

Literature cited by the submitters: PubMed 24337657 (cited by 3billion and UOSD Genetics and Genomics of Rare Diseases, Istituto Giannina Gaslini); PubMed 24676022 (cited by 4 submitters); PubMed 26813947 (cited by Dasa and UOSD Genetics and Genomics of Rare Diseases, Istituto Giannina Gaslini); PubMed 34980693 (cited by Dasa); PubMed 26647307 (cited by Dasa and OMIM); PubMed 26072522 (cited by UOSD Genetics and Genomics of Rare Diseases, Istituto Giannina Gaslini and GeneReviews); PubMed 25998219 (cited by UOSD Genetics and Genomics of Rare Diseases, Istituto Giannina Gaslini); PubMed 31769566 (cited by GeneReviews).

NM_001615.4(ACTG2):c.533G>A (p.Arg178His)

Gene: ACTG2 (actin gamma 2, smooth muscle; plus strand). Cytogenetic location: 2p13.1.
Variant type: single nucleotide variant.
Coding change: c.533G>A on transcript NM_001615.4 (MANE Select); coding-DNA position 533, G replaced by A.
Protein change: p.Arg178His; replaces arginine 178 with histidine.
Molecular consequence: missense variant.
Genome position (GRCh38, 1-based): chr2:73,913,566, G>A. VCF-style: chr2-73913566-G-A. GRCh37 (hg19) VCF-style: chr2-74140693-G-A.
Other names: c.404G>A, p.Arg135His (NM_001199893.2); short protein forms R178H, R135H.
Identifiers: ClinVar variation 132801 (VCV000132801.18), dbSNP rs587777384, ClinGen allele CA204598.